The following is an entry in ClinVar:

NM_001734.5(C1S):c.1438A>G (p.Asn480Asp)

Gene: C1S (complement C1s; plus strand). Cytogenetic location: 12p13.31.
Variant type: single nucleotide variant.
Coding change: c.1438A>G on transcript NM_001734.5 (MANE Select); coding-DNA position 1438, A replaced by G.
Protein change: p.Asn480Asp; replaces asparagine 480 with aspartic acid.
Molecular consequence: missense variant.
Genome position (GRCh38, 1-based): chr12:7,070,022, A>G. VCF-style: chr12-7070022-A-G. GRCh37 (hg19) VCF-style: chr12-7177326-A-G.
Other names: c.937A>G, p.Asn313Asp (NM_001346850.2); c.1438A>G, p.Asn480Asp (NM_201442.4); short protein forms N480D, N313D.
Identifiers: ClinVar variation 3005740 (VCV003005740.3), dbSNP rs2539607330, ClinGen allele CA383704389.

ClinVar aggregate classification (germline): Uncertain significance (1 of 4 stars; one submission).

Submission:

Labcorp Genetics (formerly Invitae), Labcorp
Classification: Uncertain significance. Last evaluated: 2023-07-27. Review status: criteria provided, single submitter. Criteria: Invitae Variant Classification Sherloc (09022015). Collection method: clinical testing. Allele origin: germline.
Comment: In summary, the available evidence is currently insufficient to determine the role of this variant in disease. Therefore, it has been classified as a Variant of Uncertain Significance. Advanced modeling of protein sequence and biophysical properties (such as structural, functional, and spatial information, amino acid conservation, physicochemical variation, residue mobility, and thermodynamic stability) performed at Invitae indicates that this missense variant is not expected to disrupt C1S protein function. This variant has not been reported in the literature in individuals affected with C1S-related conditions. This variant is not present in population databases (gnomAD no frequency). This sequence change replaces asparagine, which is neutral and polar, with aspartic acid, which is acidic and polar, at codon 480 of the C1S protein (p.Asn480Asp).